The following is an entry in ClinVar:

ClinVar aggregate classification (germline): Uncertain significance (1 of 4 stars; one submission).

Conditions:
RYR1-related disorder. Also called: RYR1-related condition; RYR1-related disorders. Identifiers: MedGen CN239331.

Submission:

Labcorp Genetics (formerly Invitae), Labcorp
Classification: Uncertain significance for RYR1-related disorder. Last evaluated: 2025-12-08. Review status: criteria provided, single submitter. Criteria: Invitae Variant Classification Sherloc (09022015). Collection method: clinical testing. Allele origin: germline.
Comment: This sequence change replaces asparagine, which is neutral and polar, with isoleucine, which is neutral and non-polar, at codon 1585 of the RYR1 protein (p.Asn1585Ile). This variant is not present in population databases (gnomAD no frequency). This variant has not been reported in the literature in individuals affected with RYR1-related conditions. Invitae Evidence Modeling of protein sequence and biophysical properties (such as structural, functional, and spatial information, amino acid conservation, physicochemical variation, residue mobility, and thermodynamic stability) has been performed for this missense variant. However, the output from this modeling did not meet the statistical confidence thresholds required to predict the impact of this variant on RYR1 protein function. In summary, the available evidence is currently insufficient to determine the role of this variant in disease. Therefore, it has been classified as a Variant of Uncertain Significance.

NM_000540.3(RYR1):c.4754A>T (p.Asn1585Ile)

Gene: RYR1 (ryanodine receptor 1; plus strand). Cytogenetic location: 19q13.2.
Variant type: single nucleotide variant.
Coding change: c.4754A>T on transcript NM_000540.3 (MANE Select); coding-DNA position 4754, A replaced by T.
Protein change: p.Asn1585Ile; replaces asparagine 1585 with isoleucine.
Molecular consequence: missense variant.
Genome position (GRCh38, 1-based): chr19:38,483,336, A>T. VCF-style: chr19-38483336-A-T. GRCh37 (hg19) VCF-style: chr19-38973976-A-T.
Other names: c.4754A>T, p.Asn1585Ile (NM_001042723.2); short protein forms N1585I.
Identifiers: ClinVar variation 4781220 (VCV004781220.1).